The following is an entry in ClinVar:

NM_018474.6(KIZ):c.95AGA[1] (p.Lys33del)

Gene: KIZ (kizuna centrosomal protein; plus strand). Cytogenetic location: 20p11.23.
Variant type: Microsatellite.
Coding change: c.95AGA[1] on transcript NM_018474.6 (MANE Select); one copy of the 3-base unit AGA starting at c.95; the reference has two copies in a row; one copy, 3 bases deleted.
Protein change: p.Lys33del; deletes lysine 33.
Molecular consequence: inframe deletion. On other transcripts: 5 prime UTR variant (4), intron variant (1).
Genome position (GRCh38, 1-based): chr20:21,132,105-21,132,107, AGA deleted; deleting any 3 consecutive bases within chr20:21,132,101-21,132,107 gives the same sequence; the position shown is the placement nearest the transcript's 3' end. VCF-style (leftmost placement, unchanged base first): chr20-21132100-AAAG-A. GRCh37 (hg19) VCF-style: chr20-21112741-AAAG-A.
Other names: c.-52AGA[1] (NM_001163022.3, NM_001163023.3, NM_001352435.2); c.95AGA[1], p.Lys33del (NM_001352434.2); c.-292AGA[1] (NM_001352436.2); c.168+5901_168+5903del (NM_001276389.2); short protein forms K33del.
Identifiers: ClinVar variation 998453 (VCV000998453.7), dbSNP rs1353524477, ClinGen allele CA742020197.

ClinVar aggregate classification (germline): Uncertain significance (1 of 4 stars; one submission).

Submission:

Labcorp Genetics (formerly Invitae), Labcorp
Classification: Uncertain significance. Last evaluated: 2020-06-16. Review status: criteria provided, single submitter. Criteria: Invitae Variant Classification Sherloc (09022015). Collection method: clinical testing. Allele origin: germline.
Comment: This variant, c.98_100del, results in the deletion of 1 amino acid(s) of the KIZ protein (p.Lys33del), but otherwise preserves the integrity of the reading frame. This variant is not present in population databases (ExAC no frequency). This variant has not been reported in the literature in individuals with KIZ-related conditions. Experimental studies and prediction algorithms are not available or were not evaluated, and the functional significance of this variant is currently unknown. In summary, the available evidence is currently insufficient to determine the role of this variant in disease. Therefore, it has been classified as a Variant of Uncertain Significance.